The following is an entry in ClinVar:

ClinVar aggregate classification (germline): Likely benign. Review status: criteria provided, multiple submitters, no conflicts (2 of 4 stars). 3 submissions from 3 submitters: Likely benign (2). 1 of the submissions does not count toward it. Last evaluated 2024-03-07.

Conditions:
PLOD1-related disorder. Also called: PLOD1-related condition.
Ehlers-Danlos syndrome, kyphoscoliotic type 1 (EDSKSCL1). Also called: Ehlers-Danlos syndrome, hydroxylysine-deficient; EHLERS-DANLOS SYNDROME, OCULAR-SCOLIOTIC TYPE; EHLERS-DANLOS SYNDROME, TYPE VIA; PLOD1-Related Kyphoscoliotic Ehlers-Danlos Syndrome. Identifiers: Orphanet 1900, MedGen C0268342, MONDO:0016002, OMIM 225400. Disease mechanism: loss of function.
Familial thoracic aortic aneurysm and aortic dissection (TAAD). Also called: Thoracic aortic aneurysms and dissections. Identifiers: Orphanet 91387, MedGen C4707243, MONDO:0019625.

Allele frequency attached by ClinVar (database versions not stated): ExAC 0.00001; gnomAD 0.00001; gnomAD exomes 0.00001 and 0.00002; TOPMed 0.00005.
gnomAD v4.1: 18 of 1,613,858 alleles (0.0011%); highest among the groups gnomAD compares: Admixed American, 0.012%; no homozygotes.

Submissions (3):

Labcorp Genetics (formerly Invitae), Labcorp
Classification: Likely benign for Ehlers-Danlos syndrome, kyphoscoliotic type 1. Last evaluated: 2024-03-07. Review status: criteria provided, single submitter. Criteria: Invitae Variant Classification Sherloc (09022015). Collection method: clinical testing. Allele origin: germline.

Ambry Genetics
Classification: Likely benign for Familial thoracic aortic aneurysm and aortic dissection. Last evaluated: 2019-08-27. Review status: criteria provided, single submitter. Criteria: Ambry Variant Classification Scheme 2023. Collection method: clinical testing. Allele origin: germline.

PreventionGenetics, part of Exact Sciences
Classification: Likely benign for PLOD1-related condition. Last evaluated: 2019-07-30. Review status: no assertion criteria provided. Collection method: clinical testing. Allele origin: germline. Not counted in ClinVar's aggregate classification.
Comment: This variant is classified as likely benign based on ACMG/AMP sequence variant interpretation guidelines (Richards et al. 2015 PMID: 25741868, with internal and published modifications).

NM_000302.4(PLOD1):c.117G>A (p.Glu39=)

Gene: PLOD1 (procollagen-lysine,2-oxoglutarate 5-dioxygenase 1; plus strand). Cytogenetic location: 1p36.22.
Variant type: single nucleotide variant.
Coding change: c.117G>A on transcript NM_000302.4 (MANE Select); coding-DNA position 117, G replaced by A.
Protein change: p.Glu39=; no amino-acid change (glutamic acid 39 retained).
Molecular consequence: synonymous variant.
Genome position (GRCh38, 1-based): chr1:11,948,016, G>A. VCF-style: chr1-11948016-G-A. GRCh37 (hg19) VCF-style: chr1-12008073-G-A.
Other names: c.258G>A, p.Glu86= (NM_001316320.2).
Identifiers: ClinVar variation 744864 (VCV000744864.15), dbSNP rs779453447, ClinGen allele CA597792.